The following is an entry in ClinVar:

NM_004006.3(DMD):c.9862G>T (p.Glu3288Ter)

Gene: DMD (dystrophin; minus strand). Cytogenetic location: Xp21.2.
Variant type: single nucleotide variant.
Coding change: c.9862G>T on transcript NM_004006.3 (MANE Select); coding-DNA position 9862, G replaced by T.
Protein change: p.Glu3288Ter; replaces glutamic acid 3288 with a stop codon.
Molecular consequence: nonsense.
Genome position (GRCh38, 1-based): chrX:31,182,850, C>A on the plus strand (G>T on the coding strand, the complement: DMD is on the minus strand). VCF-style: chrX-31182850-C-A. GRCh37 (hg19) VCF-style: chrX-31200967-C-A.
Other names: NP_003997.1:p.Glu3288*; c.9838G>T, p.Glu3280Ter (NM_000109.4); c.9850G>T, p.Glu3284Ter (NM_004009.3); c.9493G>T, p.Glu3165Ter (NM_004010.3); c.5839G>T, p.Glu1947Ter (NM_004011.4); c.5830G>T, p.Glu1944Ter (NM_004012.4); c.2482G>T, p.Glu828Ter (NM_004013.3, NM_004020.4, NM_004021.3 and 2 more transcripts); c.1675G>T, p.Glu559Ter (NM_004014.3); and 1 more; short protein forms E3288*, E828*, E220*, E3280*, E559*, E1947*, E3284*, E1944*.
Identifiers: ClinVar variation 94864 (VCV000094864.8), dbSNP rs398124106, ClinGen allele CA267202.

ClinVar aggregate classification (germline): Pathogenic. Review status: criteria provided, multiple submitters, no conflicts (2 of 4 stars). 3 submissions from 3 submitters: Pathogenic (3). Last evaluated 2025-07-13.

Conditions:
Duchenne muscular dystrophy (DMD). Also called: Duchenne Muscular Dystrophy (DMD); MUSCULAR DYSTROPHY, PSEUDOHYPERTROPHIC PROGRESSIVE, DUCHENNE TYPE. Identifiers: Orphanet 98896, MedGen C0013264, MONDO:0010679, OMIM 310200.

Submissions (3):

Labcorp Genetics (formerly Invitae), Labcorp
Classification: Pathogenic for Duchenne muscular dystrophy. Last evaluated: 2025-07-13. Review status: criteria provided, single submitter. Criteria: Invitae Variant Classification Sherloc (09022015). Collection method: clinical testing. Allele origin: germline.
Comment: This sequence change creates a premature translational stop signal (p.Glu3288*) in the DMD gene. It is expected to result in an absent or disrupted protein product. Loss-of-function variants in DMD are known to be pathogenic (PMID: 16770791, 25007885). This variant is not present in population databases (gnomAD no frequency). This premature translational stop signal has been observed in individual(s) with Duchenne muscular dystrophy (PMID: 17259292). ClinVar contains an entry for this variant (Variation ID: 94864). For these reasons, this variant has been classified as Pathogenic.

GeneDx
Classification: Pathogenic. Last evaluated: 2018-12-04. Review status: criteria provided, single submitter. Criteria: GeneDx Variant Classification (06012015). Collection method: clinical testing. Allele origin: germline. Affected: yes.
Comment: The E3288X nonsense variant in the DMD gene has been reported previously in association with Duchenne muscular dystrophy (Taylor et al.,2007). This pathogenic variant is predicted to cause loss of normal protein function either through protein truncation or nonsense-mediated mRNA decay. The E3288X variant is not observed in large population cohorts (Lek et al., 2016). Additionally, this nonsense variant may qualify for nonsense read-through therapy.

Eurofins Ntd Llc (ga)
Classification: Pathogenic. Last evaluated: 2014-11-17. Review status: criteria provided, single submitter. Criteria: EGL Classification Definitions 2015. Collection method: clinical testing. Allele origin: germline. Observed: 1 variant allele, 1 hemizygote.

Literature cited by the submitters: PubMed 16770791 (cited by Labcorp Genetics (formerly Invitae), Labcorp); PubMed 25007885 (cited by Labcorp Genetics (formerly Invitae), Labcorp); PubMed 17259292 (cited by Labcorp Genetics (formerly Invitae), Labcorp and Eurofins Ntd Llc (ga)).